The following is an entry in ClinVar:

NM_001184.4(ATR):c.361A>G (p.Lys121Glu)

Gene: ATR (ATR checkpoint kinase; minus strand). Cytogenetic location: 3q23.
Variant type: single nucleotide variant.
Coding change: c.361A>G on transcript NM_001184.4 (MANE Select); coding-DNA position 361, A replaced by G.
Protein change: p.Lys121Glu; replaces lysine 121 with glutamic acid.
Molecular consequence: missense variant.
Genome position (GRCh38, 1-based): chr3:142,563,041, T>C on the plus strand (A>G on the coding strand, the complement: ATR is on the minus strand). VCF-style: chr3-142563041-T-C. GRCh37 (hg19) VCF-style: chr3-142281883-T-C.
Other names: c.361A>G, p.Lys121Glu (NM_001354579.2); short protein forms K121E.
Identifiers: ClinVar variation 2898974 (VCV002898974.3), dbSNP rs756325655, ClinGen allele CA2650778.
Genomic context (GRCh38, chr3:142,563,041, plus strand): 5'-TAGCAGGACTCTTGCTTTTAAAAAGAAATAATAATGAACAGATGACTTCACAGATTTTCT[T>C]GTGTAACAAATGACAGGAGGGAGTTGCTGCAATCCGCAGAAGTCTCGTTATGATCCAATT-3'
Protein context (NP_001175.2, residues 111-131): AATPSCHLLH[Lys121Glu]KICEVICSLL

ClinVar aggregate classification (germline): Uncertain significance (1 of 4 stars; one submission).

Allele frequency attached by ClinVar (database versions not stated): gnomAD exomes below 0.00001; ExAC 0.00002.
gnomAD v4.1: 6 of 1,599,810 alleles (0.00038%); highest among the groups gnomAD compares: South Asian, 0.0046%; no homozygotes.

Submission:

Labcorp Genetics (formerly Invitae), Labcorp
Classification: Uncertain significance. Last evaluated: 2023-08-30. Review status: criteria provided, single submitter. Criteria: Invitae Variant Classification Sherloc (09022015). Collection method: clinical testing. Allele origin: germline.
Comment: This sequence change replaces lysine, which is basic and polar, with glutamic acid, which is acidic and polar, at codon 121 of the ATR protein (p.Lys121Glu). This variant is present in population databases (rs756325655, gnomAD 0.007%). This variant has not been reported in the literature in individuals affected with ATR-related conditions. Algorithms developed to predict the effect of missense changes on protein structure and function output the following: SIFT: "Not Available"; PolyPhen-2: "Benign"; Align-GVGD: "Not Available". The glutamic acid amino acid residue is found in multiple mammalian species, which suggests that this missense change does not adversely affect protein function. In summary, the available evidence is currently insufficient to determine the role of this variant in disease. Therefore, it has been classified as a Variant of Uncertain Significance.